The following is an entry in ClinVar:

NM_024675.4(PALB2):c.567A>C (p.Arg189Ser)

Gene: PALB2 (partner and localizer of BRCA2; minus strand). Cytogenetic location: 16p12.2.
Variant type: single nucleotide variant.
Coding change: c.567A>C on transcript NM_024675.4 (MANE Select); coding-DNA position 567, A replaced by C.
Protein change: p.Arg189Ser; replaces arginine 189 with serine.
Molecular consequence: missense variant.
Genome position (GRCh38, 1-based): chr16:23,635,979, T>G on the plus strand (A>C on the coding strand, the complement: PALB2 is on the minus strand). VCF-style: chr16-23635979-T-G. GRCh37 (hg19) VCF-style: chr16-23647300-T-G.
Other names: short protein forms R189S.
Identifiers: ClinVar variation 825890 (VCV000825890.16), dbSNP rs1597098858, ClinGen allele CA395136808.

ClinVar aggregate classification (germline): Uncertain significance. Review status: criteria provided, multiple submitters, no conflicts (2 of 4 stars). 3 submissions from 3 submitters: Uncertain significance (2). 1 of the submissions does not count toward it. Last evaluated 2019-07-17.

Conditions:
Hereditary cancer-predisposing syndrome. Also called: Neoplastic Syndromes, Hereditary; Tumor predisposition; Hereditary neoplastic syndrome; Hereditary Cancer Syndrome. Identifiers: Orphanet 140162, MedGen C0027672, MeSH D009386, MONDO:0015356.
Familial cancer of breast. Also called: BREAST CANCER, FAMILIAL; Hereditary breast cancer; hereditary breast carcinoma. Identifiers: Orphanet 227535, MedGen C0346153, MONDO:0016419, OMIM 114480. Disease mechanism: loss of function.

Allele frequency attached by ClinVar (database versions not stated): gnomAD exomes below 0.00001.
gnomAD v4.1: 1 of 1,614,176 alleles (0.000062%); highest among the groups gnomAD compares: East Asian, 0.0022%; no homozygotes.

Submissions (3):

Ambry Genetics
Classification: Uncertain significance for Hereditary cancer-predisposing syndrome. Last evaluated: 2019-07-17. Review status: criteria provided, single submitter. Criteria: Ambry Variant Classification Scheme 2023. Collection method: clinical testing. Allele origin: germline.
Comment: The p.R189S variant (also known as c.567A>C), located in coding exon 4 of the PALB2 gene, results from an A to C substitution at nucleotide position 567. This alteration was not observed in unselected breast cancer patients and was reported with a carrier frequency of 0.0001 in 12,490 controls of Japanese ancestry (Momozawa Y et al. Nat Commun. 2018 10;9:4083). The arginine at codon 189 is replaced by serine, an amino acid with dissimilar properties. This amino acid position is poorly conserved in available vertebrate species. In addition, this alteration is predicted to be tolerated by in silico analysis. Since supporting evidence is limited at this time, the clinical significance of this alteration remains unclear.

Labcorp Genetics (formerly Invitae), Labcorp
Classification: Uncertain significance for Familial cancer of breast. Last evaluated: 2019-07-05. Review status: criteria provided, single submitter. Criteria: Invitae Variant Classification Sherloc (09022015). Collection method: clinical testing. Allele origin: germline.
Comment: This sequence change replaces arginine with serine at codon 189 of the PALB2 protein (p.Arg189Ser). The arginine residue is moderately conserved and there is a moderate physicochemical difference between arginine and serine. In summary, the available evidence is currently insufficient to determine the role of this variant in disease. Therefore, it has been classified as a Variant of Uncertain Significance. Algorithms developed to predict the effect of missense changes on protein structure and function (SIFT, PolyPhen-2, Align-GVGD) all suggest that this variant is likely to be tolerated, but these predictions have not been confirmed by published functional studies and their clinical significance is uncertain. This variant has not been reported in the literature in individuals with PALB2-related conditions. This variant is not present in population databases (ExAC no frequency).

Leiden Open Variation Database
Classification: Uncertain significance. Last evaluated: 2018-10-10. Review status: no assertion criteria provided. Collection method: curation. Allele origin: germline. Affected: yes. Not counted in ClinVar's aggregate classification.
Comment: Curators: Marc Tischkowitz, Arleen D. Auerbach. Submitter to LOVD: Yukihide Momozawa.

Literature cited by the submitters: PubMed 30287823 (cited by Ambry Genetics and Leiden Open Variation Database).